The following is an entry in ClinVar:

NM_015450.3(POT1):c.1045T>A (p.Cys349Ser)

Gene: POT1 (protection of telomeres 1; minus strand). Cytogenetic location: 7q31.33.
Variant type: single nucleotide variant.
Coding change: c.1045T>A on transcript NM_015450.3 (MANE Select); coding-DNA position 1045, T replaced by A.
Protein change: p.Cys349Ser; replaces cysteine 349 with serine.
Molecular consequence: missense variant. On other transcripts: non-coding transcript variant (3).
Genome position (GRCh38, 1-based): chr7:124,842,925, A>T on the plus strand (T>A on the coding strand, the complement: POT1 is on the minus strand). VCF-style: chr7-124842925-A-T. GRCh37 (hg19) VCF-style: chr7-124482979-A-T.
Other names: c.652T>A, p.Cys218Ser (NM_001042594.2); short protein forms C218S, C349S.
Identifiers: ClinVar variation 4746053 (VCV004746053.1).
Genomic context (GRCh38, chr7:124,842,925, plus strand): 5'-ATGACCTCAATTTTGCTCGGATGCGGTATTGTTGAGGAGCTTTTTGTTTCAAAATGGCAC[A>T]TAGTGGTGTCCTCTCCAAATACTGATGATCTGTAAGTACTGTAAAGAATTTTTATATTCA-3'
Protein context (NP_056265.2, residues 339-359): DHQYLERTPL[Cys349Ser]AILKQKAPQQ

ClinVar aggregate classification (germline): Uncertain significance (1 of 4 stars; one submission).

Conditions:
Tumor predisposition syndrome 3 (TPDS3). Also called: Melanoma, cutaneous malignant, susceptibility to, 10; Glioma susceptibility 9; LONG TELOMERE SYNDROME, POT1-RELATED; POT1 Tumor Predisposition. Identifiers: Orphanet 618, MedGen C4014476, MONDO:0014368, OMIM 615848.

Submission:

Labcorp Genetics (formerly Invitae), Labcorp
Classification: Uncertain significance for Tumor predisposition syndrome 3. Last evaluated: 2026-01-26. Review status: criteria provided, single submitter. Criteria: Invitae Variant Classification Sherloc (09022015). Collection method: clinical testing. Allele origin: germline.
Comment: This sequence change replaces cysteine, which is neutral and slightly polar, with serine, which is neutral and polar, at codon 349 of the POT1 protein (p.Cys349Ser). This variant is not present in population databases (gnomAD no frequency). This variant has not been reported in the literature in individuals affected with POT1-related conditions. Invitae Evidence Modeling of protein sequence and biophysical properties (such as structural, functional, and spatial information, amino acid conservation, physicochemical variation, residue mobility, and thermodynamic stability) indicates that this missense variant is not expected to disrupt POT1 protein function with a negative predictive value of 80%. In summary, the available evidence is currently insufficient to determine the role of this variant in disease. Therefore, it has been classified as a Variant of Uncertain Significance.